The following is an entry in ClinVar:

ClinVar aggregate classification (germline): Uncertain significance. Review status: criteria provided, multiple submitters, no conflicts (2 of 4 stars). 2 submissions from 2 submitters: Uncertain significance (2). Last evaluated 2026-07-10.

Conditions:
TTN-related disorder. Also called: TTN-related condition; TTN-related disease; TTN-related disorders.

Submissions (2):

PreventionGenetics, part of Exact Sciences
Classification: Uncertain significance for TTN-related condition. Last evaluated: 2026-07-10. Review status: criteria provided, single submitter. Criteria: ACMG Guidelines, 2015. Collection method: clinical testing. Allele origin: germline.
Comment: The TTN c.21052T>C variant is predicted to result in the amino acid substitution p.Tyr7018His. This variant has been reported as uncertain in an individual with hypertrophic cardiomyopathy (Reported as c.17320T>C, p.Tyr5774His in transcript NM_133378 in Online Supplementary File 2, van Lint et al. 2019. PubMed ID: 30847666). This variant has not been reported in a large population database (gnomAD), indicating this variant is rare. At this time, the clinical significance of this variant is uncertain due to the absence of conclusive functional and genetic evidence.

Revvity Omics, Revvity
Classification: Uncertain significance. Last evaluated: 2020-02-12. Review status: criteria provided, single submitter. Criteria: ACMG Guidelines, 2015. Collection method: clinical testing. Allele origin: germline.

NM_001267550.2(TTN):c.21052T>C (p.Tyr7018His)

Genes: TTN (titin; minus strand), LOC126806428 (BRD4-independent group 4 enhancer GRCh37_chr2:179588362-179589561; plus strand). Cytogenetic location: 2q31.2.
Variant type: single nucleotide variant.
Coding change: c.21052T>C on transcript NM_001267550.2 (MANE Select); coding-DNA position 21052, T replaced by C.
Protein change: p.Tyr7018His; replaces tyrosine 7018 with histidine.
Molecular consequence: missense variant. On other transcripts: intron variant (3).
Genome position (GRCh38, 1-based): chr2:178,724,323, A>G on the plus strand (T>C on the coding strand, the complement: TTN is on the minus strand). VCF-style: chr2-178724323-A-G. GRCh37 (hg19) VCF-style: chr2-179589050-A-G.
Other names: c.20101T>C, p.Tyr6701His (NM_001256850.1); c.17320T>C, p.Tyr5774His (NM_133378.4); c.13282+13759T>C (NM_003319.4); c.13858+13759T>C (NM_133437.4); c.13657+13759T>C (NM_133432.3); short protein forms Y5774H, Y6701H, Y7018H.
Identifiers: ClinVar variation 2438285 (VCV002438285.4), dbSNP rs2529620065, ClinGen allele CA349538993.
Genomic context (GRCh38, chr2:178,724,323, plus strand): 5'-AAACATCAACCACAGCTGTGCAGCTGCTTTTCCCAACATTATTTTGAACCTGGAAAGTGT[A>G]TGTGCCTGCATCTTGCCTTTCAACTGAGAGAATCCTTAAGGAAGAGATTTTGTTGTAGAA-3'
Protein context (NP_001254479.2, residues 7008-7028): LSVERQDAGT[Tyr7018His]TFQVQNNVGK